The following is an entry in ClinVar:

NM_020911.2(PLXNA4):c.910G>A (p.Gly304Arg)

Gene: PLXNA4 (plexin A4; minus strand). Cytogenetic location: 7q32.3.
Variant type: single nucleotide variant.
Coding change: c.910G>A on transcript NM_020911.2 (MANE Select); coding-DNA position 910, G replaced by A.
Protein change: p.Gly304Arg; replaces glycine 304 with arginine.
Molecular consequence: missense variant.
Genome position (GRCh38, 1-based): chr7:132,507,784, C>T on the plus strand (G>A on the coding strand, the complement: PLXNA4 is on the minus strand). VCF-style: chr7-132507784-C-T. GRCh37 (hg19) VCF-style: chr7-132192543-C-T.
Other names: c.910G>A, p.Gly304Arg (NM_001105543.2, NM_001393897.1, NM_181775.4); short protein forms G304R.
Identifiers: ClinVar variation 3353641 (VCV003353641.1).
Genomic context (GRCh38, chr7:132,507,784, plus strand): 5'-TGCCAAGCACGGCCCCCGCTTTGGACAGGTAGGCAGCCTGCAGCAGGCGGTACTCCACCC[C>T]ACTGCGCTCACAGCCAATGGGCACCTCTACATAGGAGTTGAAGGCTGTGTCCTCCTTGCA-3'
Protein context (NP_065962.1, residues 294-314): VEVPIGCERS[Gly304Arg]VEYRLLQAAY

ClinVar aggregate classification (germline): Uncertain significance (0 of 4 stars; one submission).

Conditions:
PLXNA4-related disorder. Also called: PLXNA4-related condition.

gnomAD v4.1: 2 of 1,614,026 alleles (0.00012%); highest among the groups gnomAD compares: Non-Finnish European, 0.00017%; no homozygotes.

Submission:

PreventionGenetics, part of Exact Sciences
Classification: Uncertain significance for PLXNA4-related condition. Last evaluated: 2024-07-03. Review status: no assertion criteria provided. Collection method: clinical testing. Allele origin: germline.
Comment: The PLXNA4 c.910G>A variant is predicted to result in the amino acid substitution p.Gly304Arg. To our knowledge, this variant has not been reported in the literature or in a large population database, indicating this variant is rare. At this time, the clinical significance of this variant is uncertain due to the absence of conclusive functional and genetic evidence.